The following is an entry in ClinVar:

NC_000016.9:g.(?_5134731)_(5134882_?)dup

Genes: ALG1 (ALG1 chitobiosyldiphosphodolichol beta-mannosyltransferase; plus strand), EEF2KMT (eukaryotic elongation factor 2 lysine methyltransferase; minus strand). Cytogenetic location: 16p13.3.
Variant type: Duplication.
Identifiers: ClinVar variation 1412187 (VCV001412187.3).

ClinVar aggregate classification (germline): Uncertain significance (1 of 4 stars; one submission).

Conditions:
ALG1-congenital disorder of glycosylation. Also called: ALG1-CDG; CONGENITAL DISORDER OF GLYCOSYLATION, TYPE Ik; CDG Ik. Identifiers: Orphanet 79327, MedGen C2931005, MONDO:0012052, OMIM 608540.

Submission:

Labcorp Genetics (formerly Invitae), Labcorp
Classification: Uncertain significance for ALG1-congenital disorder of glycosylation. Last evaluated: 2021-01-28. Review status: criteria provided, single submitter. Criteria: Invitae Variant Classification Sherloc (09022015). Collection method: clinical testing. Allele origin: germline.
Comment: This variant results in a copy number gain of the genomic region encompassing exon(s) 13 of the ALG1 gene. The 5' boundary is likely confined to intron 12. The 3' end of this event is unknown as it extends beyond the assayed region for this gene and therefore may encompass additional genes. As the precise location of this event is unknown, it may be in tandem or it may be located elsewhere in the genome. This variant has not been reported in the literature in individuals with ALG1-related conditions. Experimental studies and prediction algorithms are not available or were not evaluated, and the functional significance of this variant is currently unknown. In summary, the available evidence is currently insufficient to determine the role of this variant in disease. Therefore, it has been classified as a Variant of Uncertain Significance.